The following is an entry in ClinVar:

NM_001270508.2(TNFAIP3):c.656A>G (p.Glu219Gly)

Genes: TNFAIP3 (TNF alpha induced protein 3; plus strand), LOC126859807 (MED14-independent group 3 enhancer GRCh37_chr6:138196296-138197495; plus strand). Cytogenetic location: 6q23.3.
Variant type: single nucleotide variant.
Coding change: c.656A>G on transcript NM_001270508.2 (MANE Select); coding-DNA position 656, A replaced by G.
Protein change: p.Glu219Gly; replaces glutamic acid 219 with glycine.
Molecular consequence: missense variant.
Genome position (GRCh38, 1-based): chr6:137,876,017, A>G. VCF-style: chr6-137876017-A-G. GRCh37 (hg19) VCF-style: chr6-138197154-A-G.
Other names: c.656A>G (NM_006290.2); c.656A>G, p.Glu219Gly (NM_001270507.2, NM_006290.4); short protein forms E219G.
Identifiers: ClinVar variation 1372695 (VCV001372695.7), dbSNP rs201505674, ClinGen allele CA4019488.
Genomic context (GRCh38, chr6:137,876,017, plus strand): 5'-ACCTAAGGGCCTCATTTTCCTTTCTCTTTCTTTGAACAGACAAAATGCTAAGAAGTTTGG[A>G]ATCAGGTTCCAATTTCGCCCCTTTGAAAGTGGGTGGAATTTACTTGCCTCTCCACTGGCC-3'
Protein context (NP_001257437.1, residues 209-229): VISDKMLRSL[Glu219Gly]SGSNFAPLKV

ClinVar aggregate classification (germline): Uncertain significance. Review status: criteria provided, multiple submitters, no conflicts (2 of 4 stars). 2 submissions from 2 submitters: Uncertain significance (2). Last evaluated 2022-11-08.

Conditions:
Inborn genetic diseases. Identifiers: MedGen C0950123, MeSH D030342.

Allele frequency attached by ClinVar (database versions not stated): gnomAD exomes 0.00001; ExAC 0.00002; gnomAD 0.00007; TOPMed 0.00009; 1000 Genomes Project 30x 0.00016; 1000 Genomes Project 0.00020.
gnomAD v4.1: 17 of 1,613,544 alleles (0.0011%); highest among the groups gnomAD compares: African/African-American, 0.023%; no homozygotes.

Submissions (2):

Ambry Genetics
Classification: Uncertain significance for Inborn genetic diseases. Last evaluated: 2022-11-08. Review status: criteria provided, single submitter. Criteria: Ambry Variant Classification Scheme 2023. Collection method: clinical testing. Allele origin: germline.

Labcorp Genetics (formerly Invitae), Labcorp
Classification: Uncertain significance. Last evaluated: 2021-12-09. Review status: criteria provided, single submitter. Criteria: Invitae Variant Classification Sherloc (09022015). Collection method: clinical testing. Allele origin: germline.
Comment: Algorithms developed to predict the effect of missense changes on protein structure and function are either unavailable or do not agree on the potential impact of this missense change (SIFT: "Deleterious"; PolyPhen-2: "Benign"; Align-GVGD: "Class C15"). This sequence change replaces glutamic acid, which is acidic and polar, with glycine, which is neutral and non-polar, at codon 219 of the TNFAIP3 protein (p.Glu219Gly). This variant is present in population databases (rs201505674, gnomAD 0.01%). This variant has not been reported in the literature in individuals affected with TNFAIP3-related conditions. In summary, the available evidence is currently insufficient to determine the role of this variant in disease. Therefore, it has been classified as a Variant of Uncertain Significance.